The following is an entry in ClinVar:

NM_021072.4(HCN1):c.499T>C (p.Phe167Leu)

Gene: HCN1 (hyperpolarization activated cyclic nucleotide gated potassium channel 1; minus strand). Cytogenetic location: 5p12.
Variant type: single nucleotide variant.
Coding change: c.499T>C on transcript NM_021072.4 (MANE Select); coding-DNA position 499, T replaced by C.
Protein change: p.Phe167Leu; replaces phenylalanine 167 with leucine.
Molecular consequence: missense variant.
Genome position (GRCh38, 1-based): chr5:45,645,535, A>G on the plus strand (T>C on the coding strand, the complement: HCN1 is on the minus strand). VCF-style: chr5-45645535-A-G. GRCh37 (hg19) VCF-style: chr5-45645637-A-G.
Other names: short protein forms F167L.
Identifiers: ClinVar variation 3382566 (VCV003382566.2).

ClinVar aggregate classification (germline): Likely pathogenic (1 of 4 stars; one submission).

Conditions:
Generalized epilepsy with febrile seizures plus, type 10. Also called: GEFS+, TYPE 10. Identifiers: MedGen C5193120, MONDO:0032777, OMIM 618482.
Developmental and epileptic encephalopathy, 24 (DEE24). Also called: Epileptic encephalopathy, early infantile, 24. Identifiers: Orphanet 442835, MedGen C4014531, MONDO:0014377, OMIM 615871.

Submission:

Juno Genomics, Hangzhou Juno Genomics, Inc
Classification: Likely pathogenic for Developmental and epileptic encephalopathy, 24; Generalized epilepsy with febrile seizures plus, type 10. Review status: criteria provided, single submitter. Criteria: ACMG Guidelines, 2015. Collection method: clinical testing. Allele origin: germline. Affected: yes.
Comment: Absent from controls (or at extremely low frequency if recessive) in Genome Aggregation Database, Exome Sequencing Project, 1000 Genomes Project, or Exome Aggregation Consortium.;Multiple lines of computational evidence support a deleterious effect on the gene or gene product (conservation, evolutionary, splicing impact, etc).;Missense variant in a gene that has a low rate of benign missense variation and where missense variants are a common mechanism of disease.;De novo (both maternity and paternity confirmed) in a patient with the disease and no family history.;Patient's phenotype or family history is highly specific for a disease with a single genetic etiology.